The following is an entry in ClinVar:

ClinVar aggregate classification (germline): Conflicting classifications of pathogenicity. Review status: criteria provided, conflicting classifications (1 of 4 stars). 4 submissions from 4 submitters: Uncertain significance (3); Likely benign (1). Last evaluated 2025-10-07.

Conditions:
Inborn genetic diseases. Identifiers: MedGen C0950123, MeSH D030342.
Familial hyperaldosteronism type II. Also called: FH II. Identifiers: Orphanet 404, MedGen C1854107, MONDO:0011576, OMIM 605635.
Leukoencephalopathy with mild cerebellar ataxia and white matter edema (LKPAT). Also called: Leukoencephalopathy with ataxia; Leukoencephalopathy with white matter edema; Brain white matter edema; CLCN2-Related Leukoencephalopathy. Identifiers: Orphanet 363540, MedGen C4554120, MONDO:0014292, OMIM 615651. Disease mechanism: loss of function.
Epilepsy, idiopathic generalized, susceptibility to, 11 (EIG11). Identifiers: Orphanet 307, MedGen C2750893, MONDO:0011875, OMIM 607628.

Allele frequency attached by ClinVar (database versions not stated): ExAC 0.00001; gnomAD 0.00002; gnomAD exomes 0.00002; TOPMed 0.00002.
gnomAD v4.1: 33 of 1,613,554 alleles (0.002%); highest among the groups gnomAD compares: Admixed American, 0.0067%; no homozygotes.

Submissions (4):

Ambry Genetics
Classification: Uncertain significance for Inborn genetic diseases. Last evaluated: 2025-10-07. Review status: criteria provided, single submitter. Criteria: Ambry Variant Classification Scheme 2023. Collection method: clinical testing. Allele origin: germline.

Blueprint Genetics
Classification: Likely benign. Last evaluated: 2024-02-06. Review status: criteria provided, single submitter. Criteria: ACMG Guidelines, 2015. Collection method: clinical testing. Allele origin: germline.

Labcorp Genetics (formerly Invitae), Labcorp
Classification: Uncertain significance. Last evaluated: 2023-11-28. Review status: criteria provided, single submitter. Criteria: Invitae Variant Classification Sherloc (09022015). Collection method: clinical testing. Allele origin: germline.
Comment: This sequence change replaces proline, which is neutral and non-polar, with serine, which is neutral and polar, at codon 52 of the CLCN2 protein (p.Pro52Ser). This variant is present in population databases (rs184790106, gnomAD 0.009%). This variant has not been reported in the literature in individuals affected with CLCN2-related conditions. ClinVar contains an entry for this variant (Variation ID: 1403342). Advanced modeling of protein sequence and biophysical properties (such as structural, functional, and spatial information, amino acid conservation, physicochemical variation, residue mobility, and thermodynamic stability) performed at Invitae indicates that this missense variant is not expected to disrupt CLCN2 protein function with a negative predictive value of 80%. In summary, the available evidence is currently insufficient to determine the role of this variant in disease. Therefore, it has been classified as a Variant of Uncertain Significance.

Fulgent Genetics
Classification: Uncertain significance for Familial hyperaldosteronism type II; Epilepsy, idiopathic generalized, susceptibility to, 11; Leukoencephalopathy with mild cerebellar ataxia and white matter edema. Last evaluated: 2021-11-01. Review status: criteria provided, single submitter. Criteria: ACMG Guidelines, 2015. Collection method: clinical testing. Allele origin: unknown.

NM_004366.6(CLCN2):c.154C>T (p.Pro52Ser)

Gene: CLCN2 (chloride voltage-gated channel 2; minus strand). Cytogenetic location: 3q27.1.
Variant type: single nucleotide variant.
Coding change: c.154C>T on transcript NM_004366.6 (MANE Select); coding-DNA position 154, C replaced by T.
Protein change: p.Pro52Ser; replaces proline 52 with serine.
Molecular consequence: missense variant.
Genome position (GRCh38, 1-based): chr3:184,359,041, G>A on the plus strand (C>T on the coding strand, the complement: CLCN2 is on the minus strand). VCF-style: chr3-184359041-G-A. GRCh37 (hg19) VCF-style: chr3-184076829-G-A.
Other names: c.154C>T, p.Pro52Ser (NM_001171087.3, NM_001171088.3, NM_001171089.3); c.154C>T (NM_004366.4); short protein forms P52S.
Identifiers: ClinVar variation 1403342 (VCV001403342.11), dbSNP rs184790106, ClinGen allele CA2734594.
Genomic context (GRCh38, chr3:184,359,041, plus strand): 5'-ATCGGGCGCAACGGCTCCGTCCATATTCCAAGAGCTCTGGGGCAGCCCGAGAGGAAGGGG[G>A]ACCTTTCCAGGGTTCAGGCCCTCCCAGGCGAATCCGAGCAGCTTCCTCTTTGGCAAAGGC-3'
Protein context (NP_004357.3, residues 42-62): RLGGPEPWKG[Pro52Ser]PSSRAAPELL